The following is an entry in ClinVar:

ClinVar aggregate classification (germline): Conflicting classifications of pathogenicity. Review status: criteria provided, conflicting classifications (1 of 4 stars). 15 submissions from 13 submitters: Uncertain significance (3); Likely benign (9). 3 of the submissions do not count toward it. Last evaluated 2025-12-26.

Conditions:
DSP-related disorder. Also called: DSP-related condition; DSP-related disorders.
Cardiovascular phenotype. Identifiers: MedGen CN230736.
Cardiomyopathy (CMYO). Also called: Cardiomyopathies. Identifiers: Orphanet 167848, MedGen C0878544, MONDO:0004994, HP:0001638. Inheritance: Various modes of inheritance.
Arrhythmogenic cardiomyopathy with wooly hair and keratoderma. Also called: Dilated cardiomyopathy with woolly hair and keratoderma; Arrhythmogenic cardiomyopathy with woolly hair and keratoderma; PALMOPLANTAR KERATODERMA WITH LEFT VENTRICULAR CARDIOMYOPATHY AND WOOLLY HAIR; Carvajal syndrome. Identifiers: Orphanet 65282, MedGen C1854063, MONDO:0011581, OMIM 605676.
Arrhythmogenic right ventricular dysplasia 8 (ARVD8). Also called: Arrhythmogenic Right Ventricular Dysplasia/Cardiomyopathy 8; ARRHYTHMOGENIC RIGHT VENTRICULAR CARDIOMYOPATHY 8; ARRHYTHMOGENIC RIGHT VENTRICULAR DYSPLASIA, FAMILIAL, 8. Identifiers: MedGen C1843896, MONDO:0011831, OMIM 607450.
Woolly hair-skin fragility syndrome (WHSF). Identifiers: Orphanet 293165, MedGen C1843292, MONDO:0957307, OMIM 620415.
Lethal acantholytic epidermolysis bullosa (EBLA). Identifiers: Orphanet 158687, MedGen C1864826, MONDO:0012323, OMIM 609638.

Allele frequency attached by ClinVar (database versions not stated): ExAC 0.00002; gnomAD exomes 0.00005 and 0.00008; gnomAD 0.00008 and 0.00009; TOPMed 0.00009.
gnomAD v4.1: 144 of 1,613,916 alleles (0.0089%); highest among the groups gnomAD compares: Non-Finnish European, 0.011%; no homozygotes.

Submissions (15):

Labcorp Genetics (formerly Invitae), Labcorp
Classification: Likely benign for Arrhythmogenic cardiomyopathy with wooly hair and keratoderma; Arrhythmogenic right ventricular dysplasia 8. Last evaluated: 2025-12-26. Review status: criteria provided, single submitter. Criteria: Invitae Variant Classification Sherloc (09022015). Collection method: clinical testing. Allele origin: germline.

ARUP Laboratories, Molecular Genetics and Genomics, ARUP Laboratories
Classification: Likely benign. Last evaluated: 2024-06-18. Review status: criteria provided, single submitter. Criteria: ARUP Molecular Germline Variant Investigation Process 2024. Collection method: clinical testing. Allele origin: germline.

Blueprint Genetics
Classification: Likely benign. Last evaluated: 2024-06-11. Review status: criteria provided, single submitter. Criteria: ACMG Guidelines, 2015. Collection method: clinical testing. Allele origin: germline.

All of Us Research Program, National Institutes of Health
Classification: Likely benign for Arrhythmogenic cardiomyopathy with wooly hair and keratoderma. Last evaluated: 2024-01-11. Review status: criteria provided, single submitter. Criteria: ACMG Guidelines, 2015. Collection method: clinical testing. Allele origin: germline. Inheritance: Autosomal dominant inheritance. Observed: 33 variant alleles, 33 heterozygotes.
Comment: This study involves interpretation of variants in research participants for the purpose of population health screening. Participant phenotype was not available at the time of variant classification. Additional details can be found in publication PMID: 35346344, PMCID: PMC8962531

Women's Health and Genetics/Laboratory Corporation of America, LabCorp
Classification: Likely benign. Last evaluated: 2023-06-25. Review status: criteria provided, single submitter. Criteria: LabCorp Variant Classification Summary - May 2015. Collection method: clinical testing. Allele origin: germline.

Ambry Genetics
Classification: Likely benign for Cardiovascular phenotype. Last evaluated: 2019-03-22. Review status: criteria provided, single submitter. Criteria: Ambry Variant Classification Scheme 2023. Collection method: clinical testing. Allele origin: germline.

GeneDx
Classification: Likely benign. Last evaluated: 2019-01-11. Review status: criteria provided, single submitter. Criteria: GeneDx Variant Classification Process June 2021. Collection method: clinical testing. Allele origin: germline. Affected: yes.

Color Diagnostics, LLC DBA Color Health
Classification: Likely benign for Cardiomyopathy. Last evaluated: 2018-05-21. Review status: criteria provided, single submitter. Criteria: ACMG Guidelines, 2015. Collection method: clinical testing. Allele origin: germline.

Illumina Laboratory Services, Illumina
Classification: Uncertain significance for Arrhythmogenic right ventricular dysplasia 8. Last evaluated: 2018-01-13. Review status: criteria provided, single submitter. Criteria: ICSL Variant Classification Criteria 13 December 2019. Collection method: clinical testing. Allele origin: germline.

Illumina Laboratory Services, Illumina
Classification: Uncertain significance for Arrhythmogenic cardiomyopathy with wooly hair and keratoderma. Last evaluated: 2018-01-13. Review status: criteria provided, single submitter. Criteria: ICSL Variant Classification Criteria 13 December 2019. Collection method: clinical testing. Allele origin: germline.

Illumina Laboratory Services, Illumina
Classification: Uncertain significance for Lethal acantholytic epidermolysis bullosa. Last evaluated: 2018-01-13. Review status: criteria provided, single submitter. Criteria: ICSL Variant Classification Criteria 13 December 2019. Collection method: clinical testing. Allele origin: germline.

Laboratory for Molecular Medicine, Mass General Brigham Personalized Medicine
Classification: Likely benign. Last evaluated: 2013-07-08. Review status: criteria provided, single submitter. Criteria: LMM Criteria. Collection method: clinical testing. Allele origin: germline. Observed: 1 variant allele.
Comment: Ser1841Ser in exon 24 of DSP: This variant is not expected to have clinical sign ificance because it does not alter an amino acid residue and is not located with in the splice consensus sequence.

PreventionGenetics, part of Exact Sciences
Classification: Likely benign for DSP-related condition. Last evaluated: 2024-01-03. Review status: no assertion criteria provided. Collection method: clinical testing. Allele origin: germline. Not counted in ClinVar's aggregate classification.
Comment: This variant is classified as likely benign based on ACMG/AMP sequence variant interpretation guidelines (Richards et al. 2015 PMID: 25741868, with internal and published modifications).

Genome Diagnostics Laboratory, University Medical Center Utrecht
Classification: Likely benign. Review status: no assertion criteria provided. Collection method: clinical testing. Allele origin: germline. Affected: yes. Study: VKGL Data-share Consensus. Not counted in ClinVar's aggregate classification.

Joint Genome Diagnostic Labs from Nijmegen and Maastricht, Radboudumc and MUMC+
Classification: Likely benign. Review status: no assertion criteria provided. Collection method: clinical testing. Allele origin: germline. Affected: yes. Study: VKGL Data-share Consensus. Not counted in ClinVar's aggregate classification.

NM_004415.4(DSP):c.5523A>C (p.Ser1841=)

Gene: DSP (desmoplakin; plus strand). Cytogenetic location: 6p24.3.
Variant type: single nucleotide variant.
Coding change: c.5523A>C on transcript NM_004415.4 (MANE Select); coding-DNA position 5523, A replaced by C.
Protein change: p.Ser1841=; no amino-acid change (serine 1841 retained).
Molecular consequence: synonymous variant.
Genome position (GRCh38, 1-based): chr6:7,582,785, A>C. VCF-style: chr6-7582785-A-C. GRCh37 (hg19) VCF-style: chr6-7583018-A-C.
Other names: c.5523A>C (NM_004415.3); c.3726A>C, p.Ser1242= (NM_001008844.3); c.4194A>C, p.Ser1398= (NM_001319034.2).
Identifiers: ClinVar variation 178031 (VCV000178031.32), dbSNP rs730882116, ClinGen allele CA006496.
Genomic context (GRCh38, chr6:7,582,785, plus strand): 5'-CCTGGAGCAAGACAAGGCAAGGCTGCAGAGGCTGGAGGATGAGCTGAATCGTGCAAAATC[A>C]ACTCTAGAGGCAGAAACCAGGGTGAAACAGCGCCTGGAGTGTGAGAAACAGCAAATTCAG-3'
Protein context (NP_004406.2, residues 1831-1851): RLEDELNRAK[Ser1841=]TLEAETRVKQ